The following is an entry in ClinVar:

ClinVar aggregate classification (germline): Uncertain significance (1 of 4 stars; one submission).

gnomAD v4.1: 1 of 1,607,466 alleles (0.000062%); highest among the groups gnomAD compares: Non-Finnish European, 0.000085%; no homozygotes.

Submission:

GeneDx
Classification: Uncertain significance. Last evaluated: 2026-02-13. Review status: criteria provided, single submitter. Criteria: GeneDx Variant Classification Process June 2021. Collection method: clinical testing. Allele origin: germline.
Comment: Not observed at significant frequency in large population cohorts (gnomAD); In silico analysis supports that this missense variant has a deleterious effect on protein structure/function; Has not been previously published as pathogenic or benign to our knowledge

NM_015057.5(MYCBP2):c.1262G>T (p.Gly421Val)

Gene: MYCBP2 (MYC binding protein 2; minus strand). Cytogenetic location: 13q22.3.
Variant type: single nucleotide variant.
Coding change: c.1262G>T on transcript NM_015057.5 (MANE Select); coding-DNA position 1262, G replaced by T.
Protein change: p.Gly421Val; replaces glycine 421 with valine.
Molecular consequence: missense variant.
Genome position (GRCh38, 1-based): chr13:77,267,936, C>A on the plus strand (G>T on the coding strand, the complement: MYCBP2 is on the minus strand). VCF-style: chr13-77267936-C-A. GRCh37 (hg19) VCF-style: chr13-77842071-C-A.
Other names: short protein forms G421V.
Identifiers: ClinVar variation 5007924 (VCV005007924.1).